The following is an entry in ClinVar:

ClinVar aggregate classification (germline): Uncertain significance (1 of 4 stars; one submission).

Conditions:
Catecholaminergic polymorphic ventricular tachycardia 1. Also called: VENTRICULAR TACHYCARDIA, CATECHOLAMINERGIC POLYMORPHIC, 1, WITH OR WITHOUT ATRIAL DYSFUNCTION AND/OR DILATED CARDIOMYOPATHY; RYR2-Related Catecholaminergic Polymorphic Ventricular Tachycardia; VENTRICULAR TACHYCARDIA, STRESS-INDUCED POLYMORPHIC 1. Identifiers: Orphanet 3286, MedGen C1631597, MONDO:0011484, OMIM 604772.

Submission:

Labcorp Genetics (formerly Invitae), Labcorp
Classification: Uncertain significance for Catecholaminergic polymorphic ventricular tachycardia 1. Last evaluated: 2025-08-10. Review status: criteria provided, single submitter. Criteria: Invitae Variant Classification Sherloc (09022015). Collection method: clinical testing. Allele origin: germline.
Comment: This sequence change replaces histidine, which is basic and polar, with aspartic acid, which is acidic and polar, at codon 29 of the RYR2 protein (p.His29Asp). This variant is not present in population databases (gnomAD no frequency). This missense change has been observed in individual(s) with clinical features of catecholaminergic polymorphic ventricular tachycardia (PMID: 25463374, 32152366). Invitae Evidence Modeling of protein sequence and biophysical properties (such as structural, functional, and spatial information, amino acid conservation, physicochemical variation, residue mobility, and thermodynamic stability) has been performed for this missense variant. However, the output from this modeling did not meet the statistical confidence thresholds required to predict the impact of this variant on RYR2 protein function. Experimental studies are conflicting or provide insufficient evidence to determine the effect of this variant on RYR2 function (PMID: 25463374, 26405799). In summary, the available evidence is currently insufficient to determine the role of this variant in disease. Therefore, it has been classified as a Variant of Uncertain Significance.

Literature cited by the submitters: PubMed 25463374; PubMed 32152366; PubMed 26405799.

NM_001035.3(RYR2):c.85C>G (p.His29Asp)

Gene: RYR2 (ryanodine receptor 2; plus strand). Cytogenetic location: 1q43.
Variant type: single nucleotide variant.
Coding change: c.85C>G on transcript NM_001035.3 (MANE Select); coding-DNA position 85, C replaced by G.
Protein change: p.His29Asp; replaces histidine 29 with aspartic acid.
Molecular consequence: missense variant.
Genome position (GRCh38, 1-based): chr1:237,270,533, C>G. VCF-style: chr1-237270533-C-G. GRCh37 (hg19) VCF-style: chr1-237433833-C-G.
Other names: short protein forms H29D.
Identifiers: ClinVar variation 4746930 (VCV004746930.1).
Genomic context (GRCh38, chr1:237,270,533, plus strand): 5'-CCCTCTCTTTCTCCCCCTTTGCAGGATGATGAAGTGGTTCTGCAGTGCACCGCAACCATC[C>G]ACAAAGAACAACAGAAGCTATGCTTGGCAGCAGAAGGATTTGGCAACAGACTTTGTTTCT-3'
Protein context (NP_001026.2, residues 19-39): EVVLQCTATI[His29Asp]KEQQKLCLAA